The following is an entry in ClinVar:

NM_002336.3(LRP6):c.2348G>A (p.Arg783His)

Gene: LRP6 (LDL receptor related protein 6; minus strand). Cytogenetic location: 12p13.2.
Variant type: single nucleotide variant.
Coding change: c.2348G>A on transcript NM_002336.3 (MANE Select); coding-DNA position 2348, G replaced by A.
Protein change: p.Arg783His; replaces arginine 783 with histidine.
Molecular consequence: missense variant. On other transcripts: non-coding transcript variant (1).
Genome position (GRCh38, 1-based): chr12:12,159,896, C>T on the plus strand (G>A on the coding strand, the complement: LRP6 is on the minus strand). VCF-style: chr12-12159896-C-T. GRCh37 (hg19) VCF-style: chr12-12312830-C-T.
Other names: c.2348G>A, p.Arg783His (NM_001414244.1, NM_001414245.1, NM_001414246.1 and 4 more transcripts); c.2150G>A, p.Arg717His (NM_001414247.1); c.1895G>A, p.Arg632His (NM_001414252.1, NM_001414253.1, NM_001414254.1); c.1841G>A, p.Arg614His (NM_001414255.1); short protein forms R614H, R632H, R717H, R783H.
Identifiers: ClinVar variation 3620321 (VCV003620321.2).

ClinVar aggregate classification (germline): Uncertain significance (1 of 4 stars; one submission).

gnomAD v4.1: 6 of 1,613,924 alleles (0.00037%); highest among the groups gnomAD compares: South Asian, 0.0022%; no homozygotes.

Submission:

Labcorp Genetics (formerly Invitae), Labcorp
Classification: Uncertain significance. Last evaluated: 2024-04-16. Review status: criteria provided, single submitter. Criteria: Invitae Variant Classification Sherloc (09022015). Collection method: clinical testing. Allele origin: germline.
Comment: This sequence change replaces arginine, which is basic and polar, with histidine, which is basic and polar, at codon 783 of the LRP6 protein (p.Arg783His). This variant is present in population databases (rs769424503, gnomAD 0.003%). This variant has not been reported in the literature in individuals affected with LRP6-related conditions. Advanced modeling of protein sequence and biophysical properties (such as structural, functional, and spatial information, amino acid conservation, physicochemical variation, residue mobility, and thermodynamic stability) performed at Invitae indicates that this missense variant is not expected to disrupt LRP6 protein function with a negative predictive value of 80%. In summary, the available evidence is currently insufficient to determine the role of this variant in disease. Therefore, it has been classified as a Variant of Uncertain Significance.